The following is an entry in ClinVar:

NM_001374828.1(ARID1B):c.1369C>G (p.Gln457Glu)

Gene: ARID1B (AT-rich interaction domain 1B; plus strand). Cytogenetic location: 6q25.3.
Variant type: single nucleotide variant.
Coding change: c.1369C>G on transcript NM_001374828.1 (MANE Select); coding-DNA position 1369, C replaced by G.
Protein change: p.Gln457Glu; replaces glutamine 457 with glutamic acid.
Molecular consequence: missense variant.
Genome position (GRCh38, 1-based): chr6:156,779,049, C>G. VCF-style: chr6-156779049-C-G. GRCh37 (hg19) VCF-style: chr6-157100183-C-G.
Other names: c.1120C>G, p.Gln374Glu (NM_001346813.1, NM_020732.3); c.1369C>G, p.Gln457Glu (NM_001371656.1, NM_001374820.1, NM_017519.3); c.946C>G, p.Gln316Glu (NM_175863.2); short protein forms Q316E, Q374E, Q457E.
Identifiers: ClinVar variation 2849744 (VCV002849744.3), dbSNP rs2114994564, ClinGen allele CA366384140.

ClinVar aggregate classification (germline): Uncertain significance (1 of 4 stars; one submission).

Submission:

Labcorp Genetics (formerly Invitae), Labcorp
Classification: Uncertain significance. Last evaluated: 2023-03-26. Review status: criteria provided, single submitter. Criteria: Invitae Variant Classification Sherloc (09022015). Collection method: clinical testing. Allele origin: germline.
Comment: In summary, the available evidence is currently insufficient to determine the role of this variant in disease. Therefore, it has been classified as a Variant of Uncertain Significance. Advanced modeling of protein sequence and biophysical properties (such as structural, functional, and spatial information, amino acid conservation, physicochemical variation, residue mobility, and thermodynamic stability) performed at Invitae indicates that this missense variant is not expected to disrupt ARID1B protein function. This variant has not been reported in the literature in individuals affected with ARID1B-related conditions. The frequency data for this variant in the population databases is considered unreliable, as metrics indicate insufficient coverage at this position in the gnomAD database. This sequence change replaces glutamine, which is neutral and polar, with glutamic acid, which is acidic and polar, at codon 374 of the ARID1B protein (p.Gln374Glu).